The following is an entry in ClinVar:

NM_001098.3(ACO2):c.1802G>A (p.Gly601Asp)

Genes: POLR3H (RNA polymerase III subunit H; minus strand), ACO2 (aconitase 2; plus strand). Cytogenetic location: 22q13.2.
Variant type: single nucleotide variant.
Coding change: c.1802G>A on transcript NM_001098.3 (MANE Select); coding-DNA position 1802, G replaced by A.
Protein change: p.Gly601Asp; replaces glycine 601 with aspartic acid.
Molecular consequence: missense variant. On other transcripts: 3 prime UTR variant (5).
Genome position (GRCh38, 1-based): chr22:41,526,302, G>A. VCF-style: chr22-41526302-G-A. GRCh37 (hg19) VCF-style: chr22-41922306-G-A.
Other names: p.G601D:GGC>GAC; c.*2981C>T (NM_001018050.4, NM_001018052.4, NM_001282884.2 and 2 more transcripts); short protein forms G601D.
Identifiers: ClinVar variation 214024 (VCV000214024.9), dbSNP rs863223881, ClinGen allele CA322370.

ClinVar aggregate classification (germline): Conflicting classifications of pathogenicity. Review status: criteria provided, conflicting classifications (1 of 4 stars). 3 submissions from 3 submitters: Likely pathogenic (1); Uncertain significance (2). Last evaluated 2025-11-18.

Submissions (3):

Labcorp Genetics (formerly Invitae), Labcorp
Classification: Uncertain significance. Last evaluated: 2025-11-18. Review status: criteria provided, single submitter. Criteria: Invitae Variant Classification Sherloc (09022015). Collection method: clinical testing. Allele origin: germline.
Comment: This sequence change replaces glycine, which is neutral and non-polar, with aspartic acid, which is acidic and polar, at codon 601 of the ACO2 protein (p.Gly601Asp). This variant is not present in population databases (gnomAD no frequency). This variant has not been reported in the literature in individuals affected with ACO2-related conditions. ClinVar contains an entry for this variant (Variation ID: 214024). Invitae Evidence Modeling of protein sequence and biophysical properties (such as structural, functional, and spatial information, amino acid conservation, physicochemical variation, residue mobility, and thermodynamic stability) indicates that this missense variant is expected to disrupt ACO2 protein function with a positive predictive value of 80%. In summary, the available evidence is currently insufficient to determine the role of this variant in disease. Therefore, it has been classified as a Variant of Uncertain Significance.

Blueprint Genetics
Classification: Uncertain significance. Last evaluated: 2023-09-29. Review status: criteria provided, single submitter. Criteria: ACMG Guidelines, 2015. Collection method: clinical testing. Allele origin: germline.

GeneDx
Classification: Likely pathogenic. Last evaluated: 2014-10-09. Review status: criteria provided, single submitter. Criteria: GeneDx Variant Classification (06012015). Collection method: clinical testing. Allele origin: germline. Affected: yes.
Comment: p.Gly601Asp (GGC>GAC): c.1802 G>A in exon 15 of the ACO2 gene (NM_001098.2). The G601D variant that is likely pathogenic was identified in the ACO2 gene. It has not been published as a mutation, nor has it been reported as a benign polymorphism to our knowledge. The G601D variant is a non-conservative amino acid substitution, which is likely to impact secondary protein structure as these residues differ in polarity, charge, size and/or other properties. This substitution occurs at a position that is conserved across species. In silico analysis predicts this variant is probably damaging to the protein structure/function. Therefore, this variant is a strong candidate for a pathogenic mutation, however the possibility that it is a benign variant cannot be excluded. The variant is found in OAPEO-MITOP panel(s).